The following is an entry in ClinVar:

ClinVar aggregate classification (germline): Likely benign (1 of 4 stars; one submission).

Allele frequency attached by ClinVar (database versions not stated): gnomAD 0.00412 and 0.00447; TOPMed 0.00444; 1000 Genomes Project 0.00579; 1000 Genomes Project 30x 0.00625.
gnomAD v4.1: 627 of 152,180 alleles (0.41%); highest among the groups gnomAD compares: African/African-American, 1.4%; 5 homozygotes.

Submission:

GeneDx
Classification: Likely benign. Last evaluated: 2018-06-14. Review status: criteria provided, single submitter. Criteria: GeneDx Variant Classification (06012015). Collection method: clinical testing. Allele origin: germline. Affected: yes.
Comment: This variant is considered likely benign or benign based on one or more of the following criteria: it is a conservative change, it occurs at a poorly conserved position in the protein, it is predicted to be benign by multiple in silico algorithms, and/or has population frequency not consistent with disease.

NM_001165963.4(SCN1A):c.265-226T>C

Gene: SCN1A (sodium voltage-gated channel alpha subunit 1; minus strand). Cytogenetic location: 2q24.3.
Variant type: single nucleotide variant.
Coding change: c.265-226T>C on transcript NM_001165963.4 (MANE Select); 226 bases into the intron before coding-DNA position 265, T replaced by C.
Molecular consequence: intron variant.
Genome position (GRCh38, 1-based): chr2:166,058,914, A>G on the plus strand (T>C on the coding strand, the complement: SCN1A is on the minus strand). VCF-style: chr2-166058914-A-G. GRCh37 (hg19) VCF-style: chr2-166915424-A-G.
Other names: c.265-226T>C (NM_001353949.2, NM_001353958.2, NM_001353950.2 and 10 more transcripts); c.-2161-226T>C (NM_001353961.2).
Identifiers: ClinVar variation 677689 (VCV000677689.1), dbSNP rs141977446, ClinGen allele CA59804434.